The following is an entry in ClinVar:

ClinVar aggregate classification (germline): Uncertain significance (1 of 4 stars; one submission).

Conditions:
Carney complex, type 1 (CNC1). Also called: CARNEY MYXOMA-ENDOCRINE COMPLEX; CARNEY COMPLEX, TYPE I. Identifiers: Orphanet 1359, MedGen C2607929, MONDO:0008057, OMIM 160980.

Submission:

Labcorp Genetics (formerly Invitae), Labcorp
Classification: Uncertain significance for Carney complex, type 1. Last evaluated: 2024-10-16. Review status: criteria provided, single submitter. Criteria: Invitae Variant Classification Sherloc (09022015). Collection method: clinical testing. Allele origin: germline.
Comment: This sequence change replaces glycine, which is neutral and non-polar, with glutamic acid, which is acidic and polar, at codon 198 of the PRKAR1A protein (p.Gly198Glu). This variant is not present in population databases (gnomAD no frequency). This variant has not been reported in the literature in individuals affected with PRKAR1A-related conditions. ClinVar contains an entry for this variant (Variation ID: 1503794). Invitae Evidence Modeling of protein sequence and biophysical properties (such as structural, functional, and spatial information, amino acid conservation, physicochemical variation, residue mobility, and thermodynamic stability) has been performed for this missense variant. However, the output from this modeling did not meet the statistical confidence thresholds required to predict the impact of this variant on PRKAR1A protein function. In summary, the available evidence is currently insufficient to determine the role of this variant in disease. Therefore, it has been classified as a Variant of Uncertain Significance.

NM_002734.5(PRKAR1A):c.593G>A (p.Gly198Glu)

Gene: PRKAR1A (protein kinase cAMP-dependent type I regulatory subunit alpha; plus strand). Cytogenetic location: 17q24.2.
Variant type: single nucleotide variant.
Coding change: c.593G>A on transcript NM_002734.5 (MANE Select); coding-DNA position 593, G replaced by A.
Protein change: p.Gly198Glu; replaces glycine 198 with glutamic acid.
Molecular consequence: missense variant.
Genome position (GRCh38, 1-based): chr17:68,525,797, G>A. VCF-style: chr17-68525797-G-A. GRCh37 (hg19) VCF-style: chr17-66521938-G-A.
Other names: c.593G>A, p.Gly198Glu (NM_001276289.2, NM_001276290.1, NM_001278433.2 and 4 more transcripts); short protein forms G198E.
Identifiers: ClinVar variation 1503794 (VCV001503794.6), dbSNP rs2143322368, ClinGen allele CA400753146.